The following is an entry in ClinVar:

NM_020937.4(FANCM):c.2585A>G (p.Lys862Arg)

Gene: FANCM (FA complementation group M; plus strand). Cytogenetic location: 14q21.2.
Variant type: single nucleotide variant.
Coding change: c.2585A>G on transcript NM_020937.4 (MANE Select); coding-DNA position 2585, A replaced by G.
Protein change: p.Lys862Arg; replaces lysine 862 with arginine.
Molecular consequence: missense variant.
Genome position (GRCh38, 1-based): chr14:45,175,339, A>G. VCF-style: chr14-45175339-A-G. GRCh37 (hg19) VCF-style: chr14-45644542-A-G.
Other names: c.2507A>G, p.Lys836Arg (NM_001308133.2); short protein forms K862R, K836R.
Identifiers: ClinVar variation 4619559 (VCV004619559.1).

ClinVar aggregate classification (germline): Uncertain significance (1 of 4 stars; one submission).

Conditions:
Inborn genetic diseases. Identifiers: MedGen C0950123, MeSH D030342.

gnomAD v4.1: 1 of 1,559,828 alleles (0.000064%); highest among the groups gnomAD compares: African/African-American, 0.0014%; no homozygotes.

Submission:

Ambry Genetics
Classification: Uncertain significance for Inborn genetic diseases. Last evaluated: 2025-11-04. Review status: criteria provided, single submitter. Criteria: Ambry Variant Classification Scheme 2023. Collection method: clinical testing. Allele origin: germline.
Comment: The p.K862R variant (also known as c.2585A>G), located in coding exon 14 of the FANCM gene, results from an A to G substitution at nucleotide position 2585. The lysine at codon 862 is replaced by arginine, an amino acid with highly similar properties. This amino acid position is conserved. In addition, this alteration is predicted to be tolerated by in silico analysis. Based on the available evidence, the clinical significance of this variant remains unclear.